The following is an entry in ClinVar:

ClinVar aggregate classification (germline): Uncertain significance (1 of 4 stars; one submission).

Submission:

Women's Health and Genetics/Laboratory Corporation of America, LabCorp
Classification: Uncertain significance. Last evaluated: 2020-06-22. Review status: criteria provided, single submitter. Criteria: LabCorp Variant Classification Summary - May 2015. Collection method: clinical testing. Allele origin: germline.
Comment: Variant summary: BRAF c.980+13T>C alters a conserved nucleotide located close to a canonical splice site and therefore could affect mRNA splicing, leading to a significantly altered protein sequence. 4/4 computational tools predict no significant impact on normal splicing. However, these predictions have yet to be confirmed by functional studies. The variant was absent in 251442 control chromosomes (gnomAD). The available data on variant occurrences in the general population are insufficient to allow any conclusion about variant significance. To our knowledge, no occurrence of c.980+13T>C in individuals affected with Noonan Syndrome and Related Conditions and no experimental evidence demonstrating its impact on protein function have been reported. No clinical diagnostic laboratories have submitted clinical-significance assessments for this variant to ClinVar after 2014. Based on the evidence outlined above, the variant was classified as uncertain significance.

NM_004333.6(BRAF):c.980+13T>C

Gene: BRAF (B-Raf proto-oncogene, serine/threonine kinase; minus strand). Cytogenetic location: 7q34.
Variant type: single nucleotide variant.
Coding change: c.980+13T>C on transcript NM_004333.6 (MANE Select); 13 bases into the intron after coding-DNA position 980, T replaced by C.
Molecular consequence: intron variant.
Genome position (GRCh38, 1-based): chr7:140,800,349, A>G on the plus strand (T>C on the coding strand, the complement: BRAF is on the minus strand). VCF-style: chr7-140800349-A-G. GRCh37 (hg19) VCF-style: chr7-140500149-A-G.
Other names: c.980+13T>C (NM_001378474.1, NM_001378471.1, NM_001378468.1 and 4 more transcripts); c.878+13T>C (NM_001378470.1); c.716+13T>C (NM_001378475.1); c.989+13T>C (NM_001378467.1); c.824+13T>C (NM_001378472.1, NM_001378473.1).
Identifiers: ClinVar variation 933159 (VCV000933159.1), dbSNP rs1802961360, ClinGen allele CA1139660287.